The following is an entry in ClinVar:

ClinVar aggregate classification (germline): Uncertain significance (1 of 4 stars; one submission).

Conditions:
Charcot-Marie-Tooth disease axonal type 2O. Also called: CHARCOT-MARIE-TOOTH NEUROPATHY, AXONAL, TYPE 2O; CHARCOT-MARIE-TOOTH DISEASE, AXONAL, AUTOSOMAL DOMINANT, TYPE 2O; Charcot-Marie-Tooth Neuropathy Type 2O; Charcot-Marie-Tooth disease, axonal, type 20. Identifiers: Orphanet 284232, MedGen C3280220, MONDO:0013644, OMIM 614228.

Submission:

Labcorp Genetics (formerly Invitae), Labcorp
Classification: Uncertain significance for Charcot-Marie-Tooth disease axonal type 2O. Last evaluated: 2022-02-05. Review status: criteria provided, single submitter. Criteria: Invitae Variant Classification Sherloc (09022015). Collection method: clinical testing. Allele origin: germline.
Comment: Algorithms developed to predict the effect of missense changes on protein structure and function are either unavailable or do not agree on the potential impact of this missense change (SIFT: "Deleterious"; PolyPhen-2: "Benign"; Align-GVGD: "Class C0"). In summary, the available evidence is currently insufficient to determine the role of this variant in disease. Therefore, it has been classified as a Variant of Uncertain Significance. This variant has not been reported in the literature in individuals affected with DYNC1H1-related conditions. This sequence change replaces glutamic acid, which is acidic and polar, with glutamine, which is neutral and polar, at codon 296 of the DYNC1H1 protein (p.Glu296Gln). This variant is not present in population databases (gnomAD no frequency).

NM_001376.5(DYNC1H1):c.886G>C (p.Glu296Gln)

Gene: DYNC1H1 (dynein cytoplasmic 1 heavy chain 1; plus strand). Cytogenetic location: 14q32.31.
Variant type: single nucleotide variant.
Coding change: c.886G>C on transcript NM_001376.5 (MANE Select); coding-DNA position 886, G replaced by C.
Protein change: p.Glu296Gln; replaces glutamic acid 296 with glutamine.
Molecular consequence: missense variant.
Genome position (GRCh38, 1-based): chr14:101,980,475, G>C. VCF-style: chr14-101980475-G-C. GRCh37 (hg19) VCF-style: chr14-102446812-G-C.
Other names: short protein forms E296Q.
Identifiers: ClinVar variation 1985887 (VCV001985887.4), dbSNP rs2503680662, ClinGen allele CA391010125.